The following is an entry in ClinVar:

NM_001376.5(DYNC1H1):c.9855G>A (p.Val3285=)

Gene: DYNC1H1 (dynein cytoplasmic 1 heavy chain 1; plus strand). Cytogenetic location: 14q32.31.
Variant type: single nucleotide variant.
Coding change: c.9855G>A on transcript NM_001376.5 (MANE Select); coding-DNA position 9855, G replaced by A.
Protein change: p.Val3285=; no amino-acid change (valine 3285 retained).
Molecular consequence: synonymous variant.
Genome position (GRCh38, 1-based): chr14:102,030,254, G>A. VCF-style: chr14-102030254-G-A. GRCh37 (hg19) VCF-style: chr14-102496591-G-A.
Identifiers: ClinVar variation 2197565 (VCV002197565.6), dbSNP rs751049685, ClinGen allele CA7353307.

ClinVar aggregate classification (germline): Likely benign. Review status: criteria provided, multiple submitters, no conflicts (2 of 4 stars). 2 submissions from 2 submitters: Likely benign (2). Last evaluated 2026-05-01.

Conditions:
Charcot-Marie-Tooth disease axonal type 2O. Also called: CHARCOT-MARIE-TOOTH NEUROPATHY, AXONAL, TYPE 2O; CHARCOT-MARIE-TOOTH DISEASE, AXONAL, AUTOSOMAL DOMINANT, TYPE 2O; Charcot-Marie-Tooth Neuropathy Type 2O; Charcot-Marie-Tooth disease, axonal, type 20. Identifiers: Orphanet 284232, MedGen C3280220, MONDO:0013644, OMIM 614228.

Allele frequency attached by ClinVar (database versions not stated): gnomAD exomes below 0.00001; TOPMed 0.00002; ExAC 0.00004.
gnomAD v4.1: 7 of 1,614,160 alleles (0.00043%); highest among the groups gnomAD compares: Admixed American, 0.01%; no homozygotes.

Submissions (2):

CeGaT Center for Human Genetics Tuebingen
Classification: Likely benign. Last evaluated: 2026-05-01. Review status: criteria provided, single submitter. Criteria: CeGaT Center For Human Genetics Tuebingen Variant Classification Criteria Version 2. Collection method: clinical testing. Allele origin: germline. Affected: yes. Observed: 1 variant allele.
Comment: DYNC1H1: BP4, BP7

Labcorp Genetics (formerly Invitae), Labcorp
Classification: Likely benign for Charcot-Marie-Tooth disease axonal type 2O. Last evaluated: 2024-05-14. Review status: criteria provided, single submitter. Criteria: Invitae Variant Classification Sherloc (09022015). Collection method: clinical testing. Allele origin: germline.